The following is an entry in ClinVar:

ClinVar aggregate classification (germline): Uncertain significance (1 of 4 stars; one submission).

Conditions:
Ataxia-telangiectasia syndrome (AT). Also called: Ataxia-telangiectasia, complementation group D; AT, COMPLEMENTATION GROUP C; Ataxia-telangiectasia; Ataxia telangiectasia (A-T); Cerebello-oculocutaneous telangiectasia; Immunodeficiency with ataxia telangiectasia. Identifiers: Orphanet 100, MedGen C0004135, MONDO:0008840, OMIM 208900.

Submission:

Labcorp Genetics (formerly Invitae), Labcorp
Classification: Uncertain significance for Ataxia-telangiectasia syndrome. Last evaluated: 2025-01-19. Review status: criteria provided, single submitter. Criteria: Invitae Variant Classification Sherloc (09022015). Collection method: clinical testing. Allele origin: germline.
Comment: This sequence change replaces threonine, which is neutral and polar, with arginine, which is basic and polar, at codon 1118 of the ATM protein (p.Thr1118Arg). This variant is not present in population databases (gnomAD no frequency). This variant has not been reported in the literature in individuals affected with ATM-related conditions. Invitae Evidence Modeling of protein sequence and biophysical properties (such as structural, functional, and spatial information, amino acid conservation, physicochemical variation, residue mobility, and thermodynamic stability) indicates that this missense variant is not expected to disrupt ATM protein function with a negative predictive value of 95%. In summary, the available evidence is currently insufficient to determine the role of this variant in disease. Therefore, it has been classified as a Variant of Uncertain Significance.

NM_000051.4(ATM):c.3353C>G (p.Thr1118Arg)

Gene: ATM (ATM serine/threonine kinase; plus strand). Cytogenetic location: 11q22.3.
Variant type: single nucleotide variant.
Coding change: c.3353C>G on transcript NM_000051.4 (MANE Select); coding-DNA position 3353, C replaced by G.
Protein change: p.Thr1118Arg; replaces threonine 1118 with arginine.
Molecular consequence: missense variant.
Genome position (GRCh38, 1-based): chr11:108,279,559, C>G. VCF-style: chr11-108279559-C-G. GRCh37 (hg19) VCF-style: chr11-108150286-C-G.
Other names: c.3353C>G, p.Thr1118Arg (NM_001351834.2); short protein forms T1118R.
Identifiers: ClinVar variation 3620751 (VCV003620751.2).